The following is an entry in ClinVar:

ClinVar aggregate classification (germline): Conflicting classifications of pathogenicity. Review status: criteria provided, conflicting classifications (1 of 4 stars). 5 submissions from 5 submitters: Uncertain significance (4); Likely benign (1). Last evaluated 2025-12-15.

Conditions:
Inborn genetic diseases. Identifiers: MedGen C0950123, MeSH D030342.
Bethlem myopathy 1A. Also called: Bethlem myopathy 1; MYOPATHY, BENIGN CONGENITAL, WITH CONTRACTURES; Bethlem Muscular Dystrophy. Identifiers: Orphanet 610, MedGen CN029274, MONDO:0024530, OMIM 158810.

Allele frequency attached by ClinVar (database versions not stated): ExAC 0.00001; gnomAD 0.00001; gnomAD exomes 0.00001; TOPMed 0.00001; 1000 Genomes Project 30x 0.00016; 1000 Genomes Project 0.00020.
gnomAD v4.1: 15 of 1,614,214 alleles (0.00093%); highest among the groups gnomAD compares: Middle Eastern, 0.016%; no homozygotes.

Submissions (5):

Ambry Genetics
Classification: Uncertain significance for Inborn genetic diseases. Last evaluated: 2025-12-15. Review status: criteria provided, single submitter. Criteria: Ambry Variant Classification Scheme 2023. Collection method: clinical testing. Allele origin: germline.
Comment: The c.4448A>T (p.D1483V) alteration is located in exon 10 (coding exon 9) of the COL6A3 gene. This alteration results from a A to T substitution at nucleotide position 4448, causing the aspartic acid (D) at amino acid position 1483 to be replaced by a valine (V). Based on data from gnomAD, the T allele has an overall frequency of 0.001% (3/282804) total alleles studied. The highest observed frequency was 0.014% (1/7224) of Other alleles. Based on insufficient or conflicting evidence, the clinical significance of this alteration remains unclear.

CeGaT Center for Human Genetics Tuebingen
Classification: Uncertain significance. Last evaluated: 2025-05-01. Review status: criteria provided, single submitter. Criteria: CeGaT Center For Human Genetics Tuebingen Variant Classification Criteria Version 2. Collection method: clinical testing. Allele origin: germline. Affected: yes. Observed: 1 variant allele.
Comment: COL6A3: PM2

Labcorp Genetics (formerly Invitae), Labcorp
Classification: Likely benign for Bethlem myopathy 1A. Last evaluated: 2024-10-15. Review status: criteria provided, single submitter. Criteria: Invitae Variant Classification Sherloc (09022015). Collection method: clinical testing. Allele origin: germline.

Revvity Omics, Revvity
Classification: Uncertain significance. Last evaluated: 2022-02-14. Review status: criteria provided, single submitter. Criteria: ACMG Guidelines, 2015. Collection method: clinical testing. Allele origin: germline.

Eurofins Ntd Llc (ga)
Classification: Uncertain significance. Last evaluated: 2015-11-10. Review status: criteria provided, single submitter. Criteria: EGL Classification Definitions 2015. Collection method: clinical testing. Allele origin: germline. Observed: 1 variant allele, 1 heterozygote.

NM_004369.4(COL6A3):c.4448A>T (p.Asp1483Val)

Gene: COL6A3 (collagen type VI alpha 3 chain; minus strand). Cytogenetic location: 2q37.3.
Variant type: single nucleotide variant.
Coding change: c.4448A>T on transcript NM_004369.4 (MANE Select); coding-DNA position 4448, A replaced by T.
Protein change: p.Asp1483Val; replaces aspartic acid 1483 with valine.
Molecular consequence: missense variant.
Genome position (GRCh38, 1-based): chr2:237,369,015, T>A on the plus strand (A>T on the coding strand, the complement: COL6A3 is on the minus strand). VCF-style: chr2-237369015-T-A. GRCh37 (hg19) VCF-style: chr2-238277658-T-A.
Other names: c.2627A>T, p.Asp876Val (NM_057166.5); c.3830A>T, p.Asp1277Val (NM_057167.4); short protein forms D1483V, D876V, D1277V.
Identifiers: ClinVar variation 284145 (VCV000284145.27), dbSNP rs114736729, ClinGen allele CA2188893.
Genomic context (GRCh38, chr2:237,369,015, plus strand): 5'-ATGGCGTCCAGCACCGGGGCCTGGGATCTGTAGGTTTTCAGATAGAATTCTGGGAAGACA[T>A]CATTGCTGAACTGCACGACCCCAACTCTCACTTTACTGGGGCCGATGTTGAGTCTTCGAA-3'
Protein context (NP_004360.2, residues 1473-1493): VRVGVVQFSN[Asp1483Val]VFPEFYLKTY